The following is an entry in ClinVar:

ClinVar aggregate classification (germline): Likely benign (1 of 4 stars; one submission).

Conditions:
Erythrocytosis, familial, 3 (ECYT3). Identifiers: Orphanet 247511, MedGen C1853286, MONDO:0012353, OMIM 609820.

Allele frequency attached by ClinVar (database versions not stated): gnomAD exomes 0.00033; 1000 Genomes Project 30x 0.00094; 1000 Genomes Project 0.00100; gnomAD 0.00269 and 0.00302; TOPMed 0.00310.
gnomAD v4.1: 431 of 226,156 alleles (0.19%); highest among the groups gnomAD compares: African/African-American, 0.91%; 3 homozygotes.

Submission:

Illumina Laboratory Services, Illumina
Classification: Likely benign for Erythrocytosis, familial, 3. Last evaluated: 2018-01-13. Review status: criteria provided, single submitter. Criteria: ICSL Variant Classification Criteria 13 December 2019. Collection method: clinical testing. Allele origin: germline.
Comment: This variant was observed in the ICSL laboratory as part of a predisposition screen in an ostensibly healthy population. It had not been previously curated by ICSL or reported in the Human Gene Mutation Database (HGMD: prior to June 1st, 2018), and was therefore a candidate for classification through an automated scoring system. Utilizing variant allele frequency, disease prevalence and penetrance estimates, and inheritance mode, an automated score was calculated to assess if this variant is too frequent to cause the disease. Based on the score and internal cut-off values, a variant classified as likely benign is not then subjected to further curation. The score for this variant resulted in a classification of likely benign for this disease.

NM_022051.3(EGLN1):c.*387G>A

Gene: EGLN1 (egl-9 family hypoxia inducible factor 1; minus strand). Cytogenetic location: 1q42.2.
Variant type: single nucleotide variant.
Coding change: c.*387G>A on transcript NM_022051.3 (MANE Select); 387 bases downstream of the stop codon, G replaced by A.
Molecular consequence: 3 prime UTR variant.
Genome position (GRCh38, 1-based): chr1:231,366,024, C>T on the plus strand (G>A on the coding strand, the complement: EGLN1 is on the minus strand). VCF-style: chr1-231366024-C-T. GRCh37 (hg19) VCF-style: chr1-231501770-C-T.
Other names: c.*448G>A (NM_001377260.1); c.*493G>A (NM_001377261.1).
Identifiers: ClinVar variation 877060 (VCV000877060.4), dbSNP rs192117490, ClinGen allele CA38956631.